The following is an entry in ClinVar:

NM_000283.4(PDE6B):c.2492C>A (p.Ala831Glu)

Gene: PDE6B (phosphodiesterase 6B; plus strand). Cytogenetic location: 4p16.3.
Variant type: single nucleotide variant.
Coding change: c.2492C>A on transcript NM_000283.4 (MANE Select); coding-DNA position 2492, C replaced by A.
Protein change: p.Ala831Glu; replaces alanine 831 with glutamic acid.
Molecular consequence: missense variant. On other transcripts: intron variant (2).
Genome position (GRCh38, 1-based): chr4:667,995, C>A. VCF-style: chr4-667995-C-A. GRCh37 (hg19) VCF-style: chr4-661784-C-A.
Other names: c.2492C>A, p.Ala831Glu (NM_001145291.2); c.1655C>A, p.Ala552Glu (NM_001145292.2, NM_001379246.1, NM_001379247.1); c.1601+54C>A (NM_001350154.3); c.1283+54C>A (NM_001350155.3); short protein forms A552E, A831E.
Identifiers: ClinVar variation 1923663 (VCV001923663.5), dbSNP rs769435109, ClinGen allele CA2795073.
Genomic context (GRCh38, chr4:667,995, plus strand): 5'-CTGATGAGTATGAGGCCAAAGTGAAGGCTCTGGAGGAGAAGGAGGAGGAGGAGAGGGTGG[C>A]AGCCAAGAAAGGTCTGGCTCTGTGTGGCCTGTGGGGCAGGGACTCGGTGACTCTCCCAAG-3'
Protein context (NP_000274.3, residues 821-841): LEEKEEEERV[Ala831Glu]AKKVGTEICN

ClinVar aggregate classification (germline): Uncertain significance (1 of 4 stars; one submission).

gnomAD v4.1: 7 of 1,611,990 alleles (0.00043%); highest among the groups gnomAD compares: Admixed American, 0.012%; no homozygotes.

Submission:

Labcorp Genetics (formerly Invitae), Labcorp
Classification: Uncertain significance. Last evaluated: 2025-09-08. Review status: criteria provided, single submitter. Criteria: Invitae Variant Classification Sherloc (09022015). Collection method: clinical testing. Allele origin: germline.
Comment: This sequence change replaces alanine, which is neutral and non-polar, with glutamic acid, which is acidic and polar, at codon 831 of the PDE6B protein (p.Ala831Glu). This variant is present in population databases (rs769435109, gnomAD 0.02%). This variant has not been reported in the literature in individuals affected with PDE6B-related conditions. ClinVar contains an entry for this variant (Variation ID: 1923663). An algorithm developed to predict the effect of missense changes on protein structure and function outputs the following: PolyPhen-2: "Benign". The glutamic acid amino acid residue is found in multiple mammalian species, which suggests that this missense change does not adversely affect protein function. In summary, the available evidence is currently insufficient to determine the role of this variant in disease. Therefore, it has been classified as a Variant of Uncertain Significance.